The following is an entry in ClinVar:

ClinVar aggregate classification (germline): Uncertain significance (1 of 4 stars; one submission).

Conditions:
Tall stature-scoliosis-macrodactyly of the great toes syndrome. Also called: Epiphyseal chondrodysplasia, miura type. Identifiers: Orphanet 329191, MedGen C4014690, MONDO:0014401, OMIM 615923.
Acromesomelic dysplasia 1, Maroteaux type (AMD1). Also called: ST. HELENA DYSPLASIA; ACROMESOMELIC DYSPLASIA 1. Identifiers: Orphanet 40, MedGen C1864356, MONDO:0011275, OMIM 602875.

Submission:

Labcorp Genetics (formerly Invitae), Labcorp
Classification: Uncertain significance for Tall stature-scoliosis-macrodactyly of the great toes syndrome; Acromesomelic dysplasia 1, Maroteaux type. Last evaluated: 2021-12-15. Review status: criteria provided, single submitter. Criteria: Invitae Variant Classification Sherloc (09022015). Collection method: clinical testing. Allele origin: germline.
Comment: This sequence change replaces lysine, which is basic and polar, with asparagine, which is neutral and polar, at codon 88 of the NPR2 protein (p.Lys88Asn). This variant is not present in population databases (gnomAD no frequency). This variant has not been reported in the literature in individuals affected with NPR2-related conditions. Algorithms developed to predict the effect of missense changes on protein structure and function are either unavailable or do not agree on the potential impact of this missense change (SIFT: "Deleterious"; PolyPhen-2: "Possibly Damaging"; Align-GVGD: "Class C0"). In summary, the available evidence is currently insufficient to determine the role of this variant in disease. Therefore, it has been classified as a Variant of Uncertain Significance.

NM_003995.4(NPR2):c.264G>T (p.Lys88Asn)

Gene: NPR2 (natriuretic peptide receptor 2; plus strand). Cytogenetic location: 9p13.3.
Variant type: single nucleotide variant.
Coding change: c.264G>T on transcript NM_003995.4 (MANE Select); coding-DNA position 264, G replaced by T.
Protein change: p.Lys88Asn; replaces lysine 88 with asparagine.
Molecular consequence: missense variant.
Genome position (GRCh38, 1-based): chr9:35,792,672, G>T. VCF-style: chr9-35792672-G-T. GRCh37 (hg19) VCF-style: chr9-35792669-G-T.
Other names: c.264G>T, p.Lys88Asn (NM_001378923.1); short protein forms K88N.
Identifiers: ClinVar variation 1488356 (VCV001488356.6), dbSNP rs2132066445, ClinGen allele CA373362746.